The following is an entry in ClinVar:

NM_000051.4(ATM):c.8608G>C (p.Asp2870His)

Genes: ATM (ATM serine/threonine kinase; plus strand), C11orf65 (chromosome 11 open reading frame 65; minus strand). Cytogenetic location: 11q22.3.
Variant type: single nucleotide variant.
Coding change: c.8608G>C on transcript NM_000051.4 (MANE Select); coding-DNA position 8608, G replaced by C.
Protein change: p.Asp2870His; replaces aspartic acid 2870 with histidine.
Molecular consequence: missense variant. On other transcripts: intron variant (2).
Genome position (GRCh38, 1-based): chr11:108,347,302, G>C. VCF-style: chr11-108347302-G-C. GRCh37 (hg19) VCF-style: chr11-108218029-G-C.
Other names: c.8608G>C, p.Asp2870His (NM_001351834.2); c.641-38231C>G (NM_001330368.2); c.695-12010C>G (NM_001351110.2); short protein forms D2870H.
Identifiers: ClinVar variation 2816644 (VCV002816644.3), dbSNP rs55798854, ClinGen allele CA382520546.

ClinVar aggregate classification (germline): Uncertain significance (1 of 4 stars; one submission).

Conditions:
Ataxia-telangiectasia syndrome (AT). Also called: LOUIS-BAR SYNDROME; Cerebello-oculocutaneous telangiectasia; Immunodeficiency with ataxia telangiectasia; Ataxia telangiectasia (A-T); Ataxia-telangiectasia, complementation group D; AT, COMPLEMENTATION GROUP C. Identifiers: Orphanet 100, MedGen C0004135, MONDO:0008840, OMIM 208900.

Submission:

Labcorp Genetics (formerly Invitae), Labcorp
Classification: Uncertain significance for Ataxia-telangiectasia syndrome. Last evaluated: 2022-11-25. Review status: criteria provided, single submitter. Criteria: Invitae Variant Classification Sherloc (09022015). Collection method: clinical testing. Allele origin: germline.
Comment: This sequence change replaces aspartic acid, which is acidic and polar, with histidine, which is basic and polar, at codon 2870 of the ATM protein (p.Asp2870His). This variant is not present in population databases (gnomAD no frequency). This variant has not been reported in the literature in individuals affected with ATM-related conditions. Algorithms developed to predict the effect of missense changes on protein structure and function (SIFT, PolyPhen-2, Align-GVGD) all suggest that this variant is likely to be disruptive. In summary, the available evidence is currently insufficient to determine the role of this variant in disease. Therefore, it has been classified as a Variant of Uncertain Significance.